The following is an entry in ClinVar:

ClinVar aggregate classification (germline): Uncertain significance (1 of 4 stars; one submission).

Allele frequency attached by ClinVar (database versions not stated): gnomAD exomes below 0.00001; ExAC 0.00001.

Submission:

Ambry Genetics
Classification: Uncertain significance. Last evaluated: 2022-09-28. Review status: criteria provided, single submitter. Criteria: Ambry Variant Classification Scheme 2023. Collection method: clinical testing. Allele origin: germline.
Comment: The p.D65E variant (also known as c.195C>G), located in coding exon 3 of the BUB1 gene, results from a C to G substitution at nucleotide position 195. The aspartic acid at codon 65 is replaced by glutamic acid, an amino acid with highly similar properties. This amino acid position is conserved. In addition, this alteration is predicted to be deleterious by in silico analysis. Since supporting evidence is limited at this time, the clinical significance of this alteration remains unclear.

NM_004336.5(BUB1):c.195C>G (p.Asp65Glu)

Gene: BUB1 (BUB1 mitotic checkpoint serine/threonine kinase; minus strand). Cytogenetic location: 2q13.
Variant type: single nucleotide variant.
Coding change: c.195C>G on transcript NM_004336.5 (MANE Select); coding-DNA position 195, C replaced by G.
Protein change: p.Asp65Glu; replaces aspartic acid 65 with glutamic acid.
Molecular consequence: missense variant.
Genome position (GRCh38, 1-based): chr2:110,674,116, G>C on the plus strand (C>G on the coding strand, the complement: BUB1 is on the minus strand). VCF-style: chr2-110674116-G-C. GRCh37 (hg19) VCF-style: chr2-111431693-G-C.
Other names: c.135C>G, p.Asp45Glu (NM_001278616.2); c.195C>G, p.Asp65Glu (NM_001278617.2); short protein forms D45E, D65E.
Identifiers: ClinVar variation 1783387 (VCV001783387.2), dbSNP rs777468876, ClinGen allele CA1828434.